The following is an entry in ClinVar:

ClinVar aggregate classification (germline): Uncertain significance (1 of 4 stars; one submission).

Conditions:
Hereditary cancer-predisposing syndrome. Also called: Neoplastic Syndromes, Hereditary; Hereditary Cancer Syndrome; Hereditary neoplastic syndrome; Tumor predisposition. Identifiers: Orphanet 140162, MedGen C0027672, MeSH D009386, MONDO:0015356.

Submission:

Ambry Genetics
Classification: Uncertain significance for Hereditary cancer-predisposing syndrome. Last evaluated: 2023-04-28. Review status: criteria provided, single submitter. Criteria: Ambry Variant Classification Scheme 2023. Collection method: clinical testing. Allele origin: germline.
Comment: The p.K604N variant (also known as c.1812G>T), located in coding exon 9 of the MEN1 gene, results from a G to T substitution at nucleotide position 1812. The lysine at codon 604 is replaced by asparagine, an amino acid with similar properties. This amino acid position is conserved. In addition, the in silico prediction for this alteration is inconclusive. Since supporting evidence is limited at this time, the clinical significance of this alteration remains unclear.

NM_001370259.2(MEN1):c.1812G>T (p.Lys604Asn)

Gene: MEN1 (menin 1; minus strand). Cytogenetic location: 11q13.1.
Variant type: single nucleotide variant.
Coding change: c.1812G>T on transcript NM_001370259.2 (MANE Select); coding-DNA position 1812, G replaced by T.
Protein change: p.Lys604Asn; replaces lysine 604 with asparagine.
Molecular consequence: missense variant. On other transcripts: non-coding transcript variant (4).
Genome position (GRCh38, 1-based): chr11:64,804,355, C>A on the plus strand (G>T on the coding strand, the complement: MEN1 is on the minus strand). VCF-style: chr11-64804355-C-A. GRCh37 (hg19) VCF-style: chr11-64571827-C-A.
Other names: c.1938G>T, p.Lys646Asn (NM_001407144.1, NM_001370251.2, NM_001407142.1 and 1 more transcripts); c.1827G>T, p.Lys609Asn (NM_001407145.1, NM_130800.3, NM_130801.3 and 4 more transcripts); c.1812G>T, p.Lys604Asn (NM_001407146.1, NM_001407147.1, NM_130799.3 and 2 more transcripts); c.1707G>T, p.Lys569Asn (NM_001407148.1, NM_001407149.1, NM_001370262.2 and 1 more transcripts); c.1953G>T, p.Lys651Asn (NM_001407150.1); c.1833G>T, p.Lys611Asn (NM_001407151.1); c.1647G>T, p.Lys549Asn (NM_001407152.1); short protein forms K604N, K609N, K646N, K651N, K611N, K549N, K569N.
Identifiers: ClinVar variation 2564969 (VCV002564969.2), dbSNP rs1941485737, ClinGen allele CA381177092.